The following is an entry in ClinVar:

ClinVar aggregate classification (germline): Uncertain significance. Review status: criteria provided, multiple submitters, no conflicts (2 of 4 stars). 2 submissions from 2 submitters: Uncertain significance (2). Last evaluated 2025-09-16.

Conditions:
TTN-related disorder. Also called: TTN-related condition; TTN-related disease; TTN-related disorders.

gnomAD v4.1: 19 of 1,613,142 alleles (0.0012%); highest among the groups gnomAD compares: Middle Eastern, 0.017%; no homozygotes.

Submissions (2):

PreventionGenetics, part of Exact Sciences
Classification: Uncertain significance for TTN-related condition. Last evaluated: 2025-09-16. Review status: criteria provided, single submitter. Criteria: ACMG Guidelines, 2015. Collection method: clinical testing. Allele origin: germline.
Comment: The TTN c.71144T>C variant is predicted to result in the amino acid substitution p.Val23715Ala. To our knowledge, this variant has not been reported in the literature. This variant is reported in 0.0031% of alleles in individuals of European (Non-Finnish) descent in gnomAD. At this time, the clinical significance of this variant is uncertain due to the absence of conclusive functional and genetic evidence.

Women's Health and Genetics/Laboratory Corporation of America, LabCorp
Classification: Uncertain significance. Last evaluated: 2025-09-08. Review status: criteria provided, single submitter. Criteria: LabCorp Variant Classification Summary - May 2015. Collection method: clinical testing. Allele origin: germline.

NM_001267550.2(TTN):c.71144T>C (p.Val23715Ala)

Genes: TTN (titin; minus strand), TTN-AS1 (TTN antisense RNA 1; plus strand). Cytogenetic location: 2q31.2.
Variant type: single nucleotide variant.
Coding change: c.71144T>C on transcript NM_001267550.2 (MANE Select); coding-DNA position 71144, T replaced by C.
Protein change: p.Val23715Ala; replaces valine 23715 with alanine.
Molecular consequence: missense variant.
Genome position (GRCh38, 1-based): chr2:178,574,988, A>G on the plus strand (T>C on the coding strand, the complement: TTN is on the minus strand). VCF-style: chr2-178574988-A-G. GRCh37 (hg19) VCF-style: chr2-179439715-A-G.
Other names: c.44525T>C, p.Val14842Ala (NM_133437.4); c.66221T>C, p.Val22074Ala (NM_001256850.1); c.43949T>C, p.Val14650Ala (NM_003319.4); c.63440T>C, p.Val21147Ala (NM_133378.4); c.44324T>C, p.Val14775Ala (NM_133432.3); short protein forms V14650A, V14775A, V14842A, V21147A, V22074A, V23715A.
Identifiers: ClinVar variation 4535686 (VCV004535686.2).